The following is an entry in ClinVar:

NM_001165963.4(SCN1A):c.1151G>A (p.Trp384Ter)

Gene: SCN1A (sodium voltage-gated channel alpha subunit 1; minus strand). Cytogenetic location: 2q24.3.
Variant type: single nucleotide variant.
Coding change: c.1151G>A on transcript NM_001165963.4 (MANE Select); coding-DNA position 1151, G replaced by A.
Protein change: p.Trp384Ter; replaces tryptophan 384 with a stop codon.
Molecular consequence: nonsense. On other transcripts: 5 prime UTR variant (1), non-coding transcript variant (1).
Genome position (GRCh38, 1-based): chr2:166,047,646, C>T on the plus strand (G>A on the coding strand, the complement: SCN1A is on the minus strand). VCF-style: chr2-166047646-C-T. GRCh37 (hg19) VCF-style: chr2-166904156-C-T.
Other names: c.1151G>A, p.Trp384Ter (NM_001165964.3, NM_001202435.3, NM_001353948.2 and 10 more transcripts); c.-1275G>A (NM_001353961.2); short protein forms W384*.
Identifiers: ClinVar variation 432265 (VCV000432265.3), dbSNP rs1553547380, ClinGen allele CA349071108.

ClinVar aggregate classification (germline): Pathogenic. Review status: criteria provided, multiple submitters, no conflicts (2 of 4 stars). 2 submissions from 2 submitters: Pathogenic (2). Last evaluated 2026-07-20.

Conditions:
Severe myoclonic epilepsy in infancy (DRVT). Also called: SEVERE MYOCLONIC EPILEPSY OF INFANCY; DEVELOPMENTAL AND EPILEPTIC ENCEPHALOPATHY 6A; Epileptic encephalopathy, early infantile, 6 (Dravet syndrome); Severe Myoclonic Epilepsy in Infancy (SMEI); Dravet syndrome. Identifiers: Orphanet 33069, MedGen C0751122, MONDO:0100135, OMIM 607208.

Submissions (2):

Institute of Human Genetics, University of Leipzig Medical Center
Classification: Pathogenic for Severe myoclonic epilepsy in infancy. Last evaluated: 2026-07-20. Review status: criteria provided, single submitter. Criteria: ACMG Guidelines, 2015. Collection method: clinical testing. Allele origin: unknown. Inheritance: Autosomal dominant inheritance. Affected: yes.
Comment: Criteria applied: PVS1,PS4_MOD,PM2_SUP

GeneDx
Classification: Pathogenic. Last evaluated: 2017-05-23. Review status: criteria provided, single submitter. Criteria: GeneDx Variant Classification (06012015). Collection method: clinical testing. Allele origin: germline. Affected: yes.
Comment: The W384X variant in the SCN1A gene has been reported previously in association with SCN1A-related disorders (Berkovic et al., 2006; Surovy et al., 2016). It is not observed in large population cohorts (Lek et al., 2016; 1000 Genomes Consortium et al., 2015; Exome Variant Server). The W384X variant is predicted to cause loss of normal protein function either through protein truncation or nonsense-mediated mRNA decay.